The following is an entry in ClinVar:

NM_013251.4(TAC3):c.114+87G>T

Gene: TAC3 (tachykinin precursor 3; minus strand). Cytogenetic location: 12q13.3.
Variant type: single nucleotide variant.
Coding change: c.114+87G>T on transcript NM_013251.4 (MANE Select); 87 bases into the intron after coding-DNA position 114, G replaced by T.
Molecular consequence: intron variant.
Genome position (GRCh38, 1-based): chr12:57,015,597, C>A on the plus strand (G>T on the coding strand, the complement: TAC3 is on the minus strand). VCF-style: chr12-57015597-C-A. GRCh37 (hg19) VCF-style: chr12-57409381-C-A.
Other names: c.114+87G>T (NM_001178054.2).
Identifiers: ClinVar variation 677240 (VCV000677240.2), dbSNP rs73114428, ClinGen allele CA13590228.

ClinVar aggregate classification (germline): Benign. Review status: criteria provided, multiple submitters, no conflicts (2 of 4 stars). 2 submissions from 2 submitters: Benign (2). Last evaluated 2018-06-19.

Allele frequency attached by ClinVar (database versions not stated): gnomAD 0.08851; TOPMed 0.08880; 1000 Genomes Project 30x 0.11914; 1000 Genomes Project 0.12101.

Submissions (2):

GeneDx
Classification: Benign. Last evaluated: 2018-06-19. Review status: criteria provided, single submitter. Criteria: GeneDx Variant Classification (06012015). Collection method: clinical testing. Allele origin: germline. Affected: yes.
Comment: This variant is considered likely benign or benign based on one or more of the following criteria: it is a conservative change, it occurs at a poorly conserved position in the protein, it is predicted to be benign by multiple in silico algorithms, and/or has population frequency not consistent with disease.

Breakthrough Genomics
Classification: Benign. Review status: criteria provided, single submitter. Criteria: ACMG Guidelines, 2015. Collection method: not provided. Allele origin: germline. Inheritance: Autosomal recessive inheritance. Affected: yes.